The following is an entry in ClinVar:

ClinVar aggregate classification (germline): Uncertain significance (1 of 4 stars; one submission).

Conditions:
Cardiovascular phenotype. Identifiers: MedGen CN230736.

Submission:

Ambry Genetics
Classification: Uncertain significance for Cardiovascular phenotype. Last evaluated: 2026-04-27. Review status: criteria provided, single submitter. Criteria: Ambry Variant Classification Scheme 2023. Collection method: clinical testing. Allele origin: germline.
Comment: The p.D986N variant (also known as c.2956G>A), located in coding exon 19 of the ABCA1 gene, results from a G to A substitution at nucleotide position 2956. The aspartic acid at codon 986 is replaced by asparagine, an amino acid with highly similar properties. This amino acid position is conserved. In addition, this alteration is predicted to be tolerated by in silico analysis. Based on the available evidence, the clinical significance of this variant remains unclear.

NM_005502.4(ABCA1):c.2956G>A (p.Asp986Asn)

Gene: ABCA1 (ATP binding cassette subfamily A member 1; minus strand). Cytogenetic location: 9q31.1.
Variant type: single nucleotide variant.
Coding change: c.2956G>A on transcript NM_005502.4 (MANE Select); coding-DNA position 2956, G replaced by A.
Protein change: p.Asp986Asn; replaces aspartic acid 986 with asparagine.
Molecular consequence: missense variant.
Genome position (GRCh38, 1-based): chr9:104,821,379, C>T on the plus strand (G>A on the coding strand, the complement: ABCA1 is on the minus strand). VCF-style: chr9-104821379-C-T. GRCh37 (hg19) VCF-style: chr9-107583660-C-T.
Other names: short protein forms D986N.
Identifiers: ClinVar variation 4868386 (VCV004868386.1).